The following is an entry in ClinVar:

ClinVar aggregate classification (germline): Uncertain significance (1 of 4 stars; one submission).

Submission:

Labcorp Genetics (formerly Invitae), Labcorp
Classification: Uncertain significance. Last evaluated: 2020-09-25. Review status: criteria provided, single submitter. Criteria: Invitae Variant Classification Sherloc (09022015). Collection method: clinical testing. Allele origin: germline.
Comment: In summary, the available evidence is currently insufficient to determine the role of this variant in disease. Therefore, it has been classified as a Variant of Uncertain Significance. Algorithms developed to predict the effect of missense changes on protein structure and function are either unavailable or do not agree on the potential impact of this missense change (SIFT: "Deleterious"; PolyPhen-2: "Probably Damaging"; Align-GVGD: "Class C0"). This variant has not been reported in the literature in individuals with SZT2-related conditions. This variant is not present in population databases (ExAC no frequency). This sequence change replaces phenylalanine with serine at codon 991 of the SZT2 protein (p.Phe991Ser). The phenylalanine residue is highly conserved and there is a large physicochemical difference between phenylalanine and serine.

NM_001365999.1(SZT2):c.2972T>C (p.Phe991Ser)

Gene: SZT2 (SZT2 subunit of KICSTOR complex; plus strand). Cytogenetic location: 1p34.2.
Variant type: single nucleotide variant.
Coding change: c.2972T>C on transcript NM_001365999.1 (MANE Select); coding-DNA position 2972, T replaced by C.
Protein change: p.Phe991Ser; replaces phenylalanine 991 with serine.
Molecular consequence: missense variant.
Genome position (GRCh38, 1-based): chr1:43,426,080, T>C. VCF-style: chr1-43426080-T-C. GRCh37 (hg19) VCF-style: chr1-43891751-T-C.
Other names: c.2972T>C, p.Phe991Ser (NM_015284.4); short protein forms F991S.
Identifiers: ClinVar variation 1044509 (VCV001044509.8), dbSNP rs1653110771, ClinGen allele CA340016091.